The following is an entry in ClinVar:

NC_000001.10:g.(?_1455521)_(1567753_?)del

Genes: ATAD3A (ATPase family AAA domain containing 3A; plus strand), FNDC10 (fibronectin type III domain containing 10; minus strand), MIB2 (MIB E3 ubiquitin protein ligase 2; plus strand), MMP23B (matrix metallopeptidase 23B; plus strand), SSU72 (SSU72 homolog, RNA polymerase II CTD phosphatase; minus strand) and 1 more. Cytogenetic location: 1p36.33.
Variant type: Deletion.
Identifiers: ClinVar variation 1410161 (VCV001410161.4).

ClinVar aggregate classification (germline): Uncertain significance (1 of 4 stars; one submission).

Submission:

Labcorp Genetics (formerly Invitae), Labcorp
Classification: Uncertain significance. Last evaluated: 2022-09-30. Review status: criteria provided, single submitter. Criteria: Invitae Variant Classification Sherloc (09022015). Collection method: clinical testing. Allele origin: germline.
Comment: A gross deletion of the genomic region encompassing the full coding sequence of the TMEM240 gene has been identified. The current clinical and genetic evidence is not sufficient to establish whether loss-of-function variants in TMEM240 cause disease. The boundaries of this event are unknown as they extend beyond the assayed region for this gene and therefore may encompass additional genes. This variant has not been reported in the literature in individuals affected with TMEM240-related conditions. In summary, the available evidence is currently insufficient to determine the role of this variant in disease. Therefore, it has been classified as a Variant of Uncertain Significance.